The following is an entry in ClinVar:

ClinVar aggregate classification (germline): Uncertain significance (1 of 4 stars; one submission).

Conditions:
Hereditary cancer-predisposing syndrome. Also called: Neoplastic Syndromes, Hereditary; Tumor predisposition; Hereditary Cancer Syndrome; Hereditary neoplastic syndrome. Identifiers: Orphanet 140162, MedGen C0027672, MeSH D009386, MONDO:0015356.

Submission:

Ambry Genetics
Classification: Uncertain significance for Hereditary cancer-predisposing syndrome. Last evaluated: 2023-07-12. Review status: criteria provided, single submitter. Criteria: Ambry Variant Classification Scheme 2023. Collection method: clinical testing. Allele origin: germline.
Comment: The p.A127T variant (also known as c.379G>A and 607G>A), located in coding exon 3 of the BRCA2 gene, results from a G to A substitution at nucleotide position 379. The alanine at codon 127 is replaced by threonine, an amino acid with similar properties. This variant was not reported in population based cohorts in the following databases: Database of Single Nucleotide Polymorphisms (dbSNP), NHLBI Exome Sequencing Project (ESP), and 1000 Genomes Project. In the ESP, this variant was not observed in 6502 samples (13004 alleles) with coverage at this position. To date, this alteration has been detected with an allele frequency of approximately 0.002% (greater than 64,000 alleles tested) in our clinical cohort. This amino acid position is poorly conserved in available vertebrate species, and threonine is the reference amino acid in several species. In addition, this alteration is predicted to be tolerated by in silico analysis. Since supporting evidence is limited at this time, the clinical significance of p.A127T remains unclear.

NM_000059.4(BRCA2):c.379G>A (p.Ala127Thr)

Gene: BRCA2 (BRCA2 DNA repair associated; plus strand). Cytogenetic location: 13q13.1.
Variant type: single nucleotide variant.
Coding change: c.379G>A on transcript NM_000059.4 (MANE Select); coding-DNA position 379, G replaced by A.
Protein change: p.Ala127Thr; replaces alanine 127 with threonine.
Molecular consequence: missense variant.
Genome position (GRCh38, 1-based): chr13:32,325,138, G>A. VCF-style: chr13-32325138-G-A. GRCh37 (hg19) VCF-style: chr13-32899275-G-A.
Other names: short protein forms A127T.
Identifiers: ClinVar variation 187094 (VCV000187094.6), dbSNP rs80358621, ClinGen allele CA018823.
Genomic context (GRCh38, chr13:32,325,138, plus strand): 5'-AGGAATGTTCCCAATAGTAGACATAAAAGTCTTCGCACAGTGAAAACTAAAATGGATCAA[G>A]CAGATGATGTTTCCTGTCCACTTCTAAATTCTTGTCTTAGTGAAAGGTATGATGAAGCTA-3'
Protein context (NP_000050.3, residues 117-137): LRTVKTKMDQ[Ala127Thr]DDVSCPLLNS